The following is an entry in ClinVar:

NM_001005242.3(PKP2):c.696C>T (p.Asp232=)

Gene: PKP2 (plakophilin 2; minus strand). Cytogenetic location: 12p11.21.
Variant type: single nucleotide variant.
Coding change: c.696C>T on transcript NM_001005242.3 (MANE Select); coding-DNA position 696, C replaced by T.
Protein change: p.Asp232=; no amino-acid change (aspartic acid 232 retained).
Molecular consequence: synonymous variant.
Genome position (GRCh38, 1-based): chr12:32,878,184, G>A on the plus strand (C>T on the coding strand, the complement: PKP2 is on the minus strand). VCF-style: chr12-32878184-G-A. GRCh37 (hg19) VCF-style: chr12-33031118-G-A.
Other names: c.696C>T, p.Asp232= (NM_004572.4).
Identifiers: ClinVar variation 179027 (VCV000179027.21), dbSNP rs375677250, ClinGen allele CA012444.

ClinVar aggregate classification (germline): Likely benign. Review status: criteria provided, multiple submitters, no conflicts (2 of 4 stars). 8 submissions from 8 submitters: Likely benign (8). Last evaluated 2026-08-01.

Conditions:
PKP2-related disorder. Also called: PKP2-related condition.
Cardiovascular phenotype. Identifiers: MedGen CN230736.
Cardiomyopathy (CMYO). Also called: Cardiomyopathies. Identifiers: Orphanet 167848, MedGen C0878544, MONDO:0004994, HP:0001638. Inheritance: Various modes of inheritance.
Arrhythmogenic right ventricular dysplasia 9 (ARVD9). Also called: ARRHYTHMOGENIC RIGHT VENTRICULAR DYSPLASIA, FAMILIAL, 9; Arrhythmogenic Right Ventricular Dysplasia/Cardiomyopathy 9. Identifiers: MedGen C1836906, MONDO:0012180, OMIM 609040.

Allele frequency attached by ClinVar (database versions not stated): gnomAD exomes 0.00002 and 0.00004; ExAC 0.00004; ESP Exome Variant Server 0.00008; TOPMed 0.00022; gnomAD 0.00023 and 0.00026.
gnomAD v4.1: 59 of 1,614,112 alleles (0.0037%); highest among the groups gnomAD compares: African/African-American, 0.076%; no homozygotes.

Submissions (8):

CeGaT Center for Human Genetics Tuebingen
Classification: Likely benign. Last evaluated: 2026-08-01. Review status: criteria provided, single submitter. Criteria: CeGaT Center For Human Genetics Tuebingen Variant Classification Criteria Version 2. Collection method: clinical testing. Allele origin: germline. Affected: yes. Observed: 1 variant allele.
Comment: PKP2: BP4, BP7

PreventionGenetics, part of Exact Sciences
Classification: Likely benign for PKP2-related condition. Last evaluated: 2026-03-27. Review status: criteria provided, single submitter. Criteria: ACMG Guidelines, 2015. Collection method: clinical testing. Allele origin: germline.
Comment: This variant is classified as likely benign based on ACMG/AMP sequence variant interpretation guidelines (Richards et al. 2015 PMID: 25741868, with internal and published modifications).

Labcorp Genetics (formerly Invitae), Labcorp
Classification: Likely benign for Arrhythmogenic right ventricular dysplasia 9. Last evaluated: 2026-01-26. Review status: criteria provided, single submitter. Criteria: Invitae Variant Classification Sherloc (09022015). Collection method: clinical testing. Allele origin: germline.

Women's Health and Genetics/Laboratory Corporation of America, LabCorp
Classification: Likely benign. Last evaluated: 2023-06-10. Review status: criteria provided, single submitter. Criteria: LabCorp Variant Classification Summary - May 2015. Collection method: clinical testing. Allele origin: germline.

Color Diagnostics, LLC DBA Color Health
Classification: Likely benign for Cardiomyopathy. Last evaluated: 2022-11-06. Review status: criteria provided, single submitter. Criteria: ACMG Guidelines, 2015. Collection method: clinical testing. Allele origin: germline.

GeneDx
Classification: Likely benign. Last evaluated: 2019-09-10. Review status: criteria provided, single submitter. Criteria: GeneDx Variant Classification Process June 2021. Collection method: clinical testing. Allele origin: germline. Affected: yes.

Ambry Genetics
Classification: Likely benign for Cardiovascular phenotype. Last evaluated: 2018-09-19. Review status: criteria provided, single submitter. Criteria: Ambry Variant Classification Scheme 2023. Collection method: clinical testing. Allele origin: germline.

Laboratory for Molecular Medicine, Mass General Brigham Personalized Medicine
Classification: Likely benign. Last evaluated: 2014-03-13. Review status: criteria provided, single submitter. Criteria: LMM Criteria. Collection method: clinical testing. Allele origin: germline. Observed: 1 variant allele.
Comment: Asp232Asp in exon 3 of PKP2: This variant is not expected to have clinical signi ficance because it does not alter an amino acid residue and is not located withi n the splice consensus sequence. It has been identified in 1/4406 African Americ an chromosomes from a broad population by the NHLBI Exome Sequencing Project (dbSNP rs375677250).